The following is an entry in ClinVar:

NM_006946.4(SPTBN2):c.158-1G>T

Gene: SPTBN2 (spectrin beta, non-erythrocytic 2; minus strand). Cytogenetic location: 11q13.2.
Variant type: single nucleotide variant.
Coding change: c.158-1G>T on transcript NM_006946.4 (MANE Select); the canonical splice acceptor site of the intron before coding-DNA position 158, G replaced by T.
Molecular consequence: splice acceptor variant.
Genome position (GRCh38, 1-based): chr11:66,715,982, C>A on the plus strand (G>T on the coding strand, the complement: SPTBN2 is on the minus strand). VCF-style: chr11-66715982-C-A. GRCh37 (hg19) VCF-style: chr11-66483453-C-A.
Other names: c.179-1G>T (NM_001411025.1).
Identifiers: ClinVar variation 2642007 (VCV002642007.24), dbSNP rs2496578406, ClinGen allele CA381484452.
Genomic context (GRCh38, chr11:66,715,982, plus strand): 5'-GGGCCAGGTGCGAGTTTACCCACTTGGTGAAGGTTTTCTTCTGCACAGCTTCTCGTTCAT[C>A]TGTGGTGGCAACATGGGTTTATTTCTGTCCCTCGAGTTCAGTATGCCTGCTTCTAAACAC-3'

ClinVar aggregate classification (germline): Pathogenic (1 of 4 stars; one submission).

Submission:

CeGaT Center for Human Genetics Tuebingen
Classification: Pathogenic. Last evaluated: 2023-04-01. Review status: criteria provided, single submitter. Criteria: CeGaT Center For Human Genetics Tuebingen Variant Classification Criteria Version 2. Collection method: clinical testing. Allele origin: germline. Affected: yes. Observed: 1 variant allele.
Comment: SPTBN2: PVS1, PM2